The following is an entry in ClinVar:

ClinVar aggregate classification (germline): Uncertain significance (1 of 4 stars; one submission).

Conditions:
Developmental and epileptic encephalopathy 94 (DEE94). Also called: Epileptic encephalopathy, childhood-onset; CHD2-Related Neurodevelopmental Disorders. Identifiers: Orphanet 1942, Orphanet 2382, MedGen C3809278, MONDO:0014150, OMIM 615369.

Allele frequency attached by ClinVar (database versions not stated): gnomAD exomes below 0.00001.
gnomAD v4.1: 2 of 1,606,774 alleles (0.00012%); highest among the groups gnomAD compares: Non-Finnish European, 0.000085%; no homozygotes.

Submission:

Labcorp Genetics (formerly Invitae), Labcorp
Classification: Uncertain significance for Developmental and epileptic encephalopathy 94. Last evaluated: 2020-12-22. Review status: criteria provided, single submitter. Criteria: Invitae Variant Classification Sherloc (09022015). Collection method: clinical testing. Allele origin: germline.
Comment: This variant has not been reported in the literature in individuals with CHD2-related disease. This sequence change replaces lysine with arginine at codon 1141 of the CHD2 protein (p.Lys1141Arg). The lysine residue is highly conserved and there is a small physicochemical difference between lysine and arginine. This variant is not present in population databases (ExAC no frequency). Algorithms developed to predict the effect of missense changes on protein structure and function are either unavailable or do not agree on the potential impact of this missense change (SIFT: "Deleterious"; PolyPhen-2: "Benign"; Align-GVGD: "Class C25"). In summary, the available evidence is currently insufficient to determine the role of this variant in disease. Therefore, it has been classified as a Variant of Uncertain Significance.

NM_001271.4(CHD2):c.3422A>G (p.Lys1141Arg)

Gene: CHD2 (chromodomain helicase DNA binding protein 2; plus strand). Cytogenetic location: 15q26.1.
Variant type: single nucleotide variant.
Coding change: c.3422A>G on transcript NM_001271.4 (MANE Select); coding-DNA position 3422, A replaced by G.
Protein change: p.Lys1141Arg; replaces lysine 1141 with arginine.
Molecular consequence: missense variant.
Genome position (GRCh38, 1-based): chr15:92,991,484, A>G. VCF-style: chr15-92991484-A-G. GRCh37 (hg19) VCF-style: chr15-93534714-A-G.
Other names: short protein forms K1141R.
Identifiers: ClinVar variation 644660 (VCV000644660.11), dbSNP rs1471418780, ClinGen allele CA393896047.
Genomic context (GRCh38, chr15:92,991,484, plus strand): 5'-AACTAAAGTAAGTCTCTGTTTTTTTAATATGTTTTATTGATCCTATTCTTAGGTTCATCA[A>G]GGCTTATAAGAAGTTTGGTCTCCCTCTTGAACGGTAAGTTCAGTGTAATAGTCCCTTATC-3'
Protein context (NP_001262.3, residues 1131-1151): FTDAEIRRFI[Lys1141Arg]AYKKFGLPLE